The following is an entry in ClinVar:

ClinVar aggregate classification (germline): Pathogenic (1 of 4 stars; one submission).

Conditions:
Telangiectasia, hereditary hemorrhagic, type 1 (HHT1). Also called: Osler Weber Rendu syndrome type 1; ENG-Related Hereditary Hemorrhagic Telangiectasia. Identifiers: Orphanet 774, MedGen C4551861, MONDO:0008535, OMIM 187300. Disease mechanism: loss of function.

Submission:

NIHR Bioresource Rare Diseases, University of Cambridge
Classification: Pathogenic for Telangiectasia, hereditary hemorrhagic, type 1. Last evaluated: 2018-01-01. Review status: criteria provided, single submitter. Criteria: ACMG Guidelines, 2015. Collection method: research. Allele origin: unknown. Affected: yes. Observed: 1 variant allele.
Comment: PVS1+PM2+PP4

Literature cited by the submitters: PubMed 32573726.

NM_001114753.3(ENG):c.1273-2A>T

Genes: ENG (endoglin; minus strand), LOC102723566 (uncharacterized LOC102723566; plus strand). Cytogenetic location: 9q34.11.
Variant type: single nucleotide variant.
Coding change: c.1273-2A>T on transcript NM_001114753.3 (MANE Select); the canonical splice acceptor site of the intron before coding-DNA position 1273, A replaced by T.
Molecular consequence: splice acceptor variant.
Genome position (GRCh38, 1-based): chr9:127,819,662, T>A on the plus strand (A>T on the coding strand, the complement: ENG is on the minus strand). VCF-style: chr9-127819662-T-A. GRCh37 (hg19) VCF-style: chr9-130581941-T-A.
Other names: c.1273-2A>T (NM_000118.4); c.727-2A>T (NM_001278138.2).
Identifiers: ClinVar variation 982496 (VCV000982496.3), dbSNP rs373842615, ClinGen allele CA374978172.